The following is an entry in ClinVar:

NM_004304.5(ALK):c.2591A>G (p.Asn864Ser)

Gene: ALK (ALK receptor tyrosine kinase; minus strand). Cytogenetic location: 2p23.2.
Variant type: single nucleotide variant.
Coding change: c.2591A>G on transcript NM_004304.5 (MANE Select); coding-DNA position 2591, A replaced by G.
Protein change: p.Asn864Ser; replaces asparagine 864 with serine.
Molecular consequence: missense variant.
Genome position (GRCh38, 1-based): chr2:29,232,345, T>C on the plus strand (A>G on the coding strand, the complement: ALK is on the minus strand). VCF-style: chr2-29232345-T-C. GRCh37 (hg19) VCF-style: chr2-29455211-T-C.
Other names: short protein forms N864S.
Identifiers: ClinVar variation 3524873 (VCV003524873.1).

ClinVar aggregate classification (germline): Uncertain significance (1 of 4 stars; one submission).

Conditions:
Hereditary cancer-predisposing syndrome. Also called: Hereditary Cancer Syndrome; Hereditary neoplastic syndrome; Tumor predisposition; Neoplastic Syndromes, Hereditary. Identifiers: Orphanet 140162, MedGen C0027672, MeSH D009386, MONDO:0015356.

Submission:

Ambry Genetics
Classification: Uncertain significance for Hereditary cancer-predisposing syndrome. Last evaluated: 2024-10-14. Review status: criteria provided, single submitter. Criteria: Ambry Variant Classification Scheme 2023. Collection method: clinical testing. Allele origin: germline.
Comment: The p.N864S variant (also known as c.2591A>G), located in coding exon 15 of the ALK gene, results from an A to G substitution at nucleotide position 2591. The asparagine at codon 864 is replaced by serine, an amino acid with highly similar properties. This amino acid position is conserved. In addition, this alteration is predicted to be tolerated by in silico analysis. Based on the available evidence, the clinical significance of this variant remains unclear.